The following is an entry in ClinVar:

ClinVar aggregate classification (germline): Uncertain significance. Review status: criteria provided, multiple submitters, no conflicts (2 of 4 stars). 3 submissions from 3 submitters: Uncertain significance (3). Last evaluated 2025-11-03.

Conditions:
Inborn genetic diseases. Identifiers: MedGen C0950123, MeSH D030342.
Chédiak-Higashi syndrome (CHS). Also called: Chediak-Higashi Syndrome. Identifiers: Orphanet 167, MedGen C0007965, MONDO:0008963, OMIM 214500.

Allele frequency attached by ClinVar (database versions not stated): gnomAD 0.00002; TOPMed 0.00004; gnomAD exomes 0.00001; ExAC 0.00002; ESP Exome Variant Server 0.00008.
gnomAD v4.1: 17 of 1,613,866 alleles (0.0011%); highest among the groups gnomAD compares: Admixed American, 0.0033%; no homozygotes.

Submissions (3):

Ambry Genetics
Classification: Uncertain significance for Inborn genetic diseases. Last evaluated: 2025-11-03. Review status: criteria provided, single submitter. Criteria: Ambry Variant Classification Scheme 2023. Collection method: clinical testing. Allele origin: germline.

Women's Health and Genetics/Laboratory Corporation of America, LabCorp
Classification: Uncertain significance. Last evaluated: 2024-11-13. Review status: criteria provided, single submitter. Criteria: LabCorp Variant Classification Summary - May 2015. Collection method: clinical testing. Allele origin: germline.
Comment: Variant summary: LYST c.3031A>G (p.Lys1011Glu) results in a conservative amino acid change in the encoded protein sequence. Five of five in-silico tools predict a benign effect of the variant on protein function. The variant allele was found at a frequency of 2e-05 in 251114 control chromosomes. The available data on variant occurrences in the general population are insufficient to allow any conclusion about variant significance. To our knowledge, no occurrence of c.3031A>G in individuals affected with Chediak-Higashi Syndrome and no experimental evidence demonstrating its impact on protein function have been reported. ClinVar contains an entry for this variant (Variation ID: 967139). Based on the evidence outlined above, the variant was classified as uncertain significance.

Labcorp Genetics (formerly Invitae), Labcorp
Classification: Uncertain significance for Chédiak-Higashi syndrome. Last evaluated: 2022-10-31. Review status: criteria provided, single submitter. Criteria: Invitae Variant Classification Sherloc (09022015). Collection method: clinical testing. Allele origin: germline.
Comment: This sequence change replaces lysine, which is basic and polar, with glutamic acid, which is acidic and polar, at codon 1011 of the LYST protein (p.Lys1011Glu). This variant is present in population databases (rs145666408, gnomAD 0.003%). This variant has not been reported in the literature in individuals affected with LYST-related conditions. ClinVar contains an entry for this variant (Variation ID: 967139). Advanced modeling of protein sequence and biophysical properties (such as structural, functional, and spatial information, amino acid conservation, physicochemical variation, residue mobility, and thermodynamic stability) performed at Invitae indicates that this missense variant is not expected to disrupt LYST protein function. In summary, the available evidence is currently insufficient to determine the role of this variant in disease. Therefore, it has been classified as a Variant of Uncertain Significance.

NM_000081.4(LYST):c.3031A>G (p.Lys1011Glu)

Gene: LYST (lysosomal trafficking regulator; minus strand). Cytogenetic location: 1q42.3.
Variant type: single nucleotide variant.
Coding change: c.3031A>G on transcript NM_000081.4 (MANE Select); coding-DNA position 3031, A replaced by G.
Protein change: p.Lys1011Glu; replaces lysine 1011 with glutamic acid.
Molecular consequence: missense variant.
Genome position (GRCh38, 1-based): chr1:235,806,105, T>C on the plus strand (A>G on the coding strand, the complement: LYST is on the minus strand). VCF-style: chr1-235806105-T-C. GRCh37 (hg19) VCF-style: chr1-235969405-T-C.
Other names: c.3031A>G (NM_000081.2); c.3031A>G, p.Lys1011Glu (NM_001301365.1); short protein forms K1011E.
Identifiers: ClinVar variation 967139 (VCV000967139.7), dbSNP rs145666408, ClinGen allele CA1467159.